The following is an entry in ClinVar:

ClinVar aggregate classification (germline): Pathogenic (1 of 4 stars; one submission).

Conditions:
Combined immunodeficiency due to DOCK8 deficiency (HIES2). Also called: HYPER-IgE SYNDROME 2, AUTOSOMAL RECESSIVE, WITH RECURRENT INFECTIONS; HIES autosomal recessive; Hyper-IgE recurrent infection syndrome, autosomal recessive; HYPER-IgE RECURRENT INFECTION SYNDROME 2, AUTOSOMAL RECESSIVE; DOCK8 Deficiency. Identifiers: Orphanet 217390, MedGen C4722305, MONDO:0009478, OMIM 243700.

Submission:

Labcorp Genetics (formerly Invitae), Labcorp
Classification: Pathogenic for Combined immunodeficiency due to DOCK8 deficiency. Last evaluated: 2025-12-10. Review status: criteria provided, single submitter. Criteria: Invitae Variant Classification Sherloc (09022015). Collection method: clinical testing. Allele origin: germline.
Comment: This sequence change creates a premature translational stop signal (p.Ile586Aspfs*10) in the DOCK8 gene. It is expected to result in an absent or disrupted protein product. Loss-of-function variants in DOCK8 are known to be pathogenic (PMID: 14722525, 19776401). This variant is not present in population databases (gnomAD no frequency). This variant has not been reported in the literature in individuals affected with DOCK8-related conditions. For these reasons, this variant has been classified as Pathogenic.

Literature cited by the submitters: PubMed 14722525; PubMed 19776401.

NM_203447.4(DOCK8):c.1754dup (p.Ile586fs)

Gene: DOCK8 (dedicator of cytokinesis 8; plus strand). Cytogenetic location: 9p24.3.
Variant type: Duplication.
Coding change: c.1754dup on transcript NM_203447.4 (MANE Select); coding-DNA position 1754, one base duplicated (A; older notation c.1754dupA).
Protein change: p.Ile586fs; shifts the reading frame from isoleucine 586.
Molecular consequence: frameshift variant.
Genome position (GRCh38, 1-based): chr9:368,092, A duplicated; the last of 3 consecutive A bases (chr9:368,090-368,092); duplicating any one gives the same sequence. VCF-style (leftmost placement, unchanged base first): chr9-368089-T-TA. GRCh37 (hg19) VCF-style: chr9-368089-T-TA.
Other names: c.1550dup, p.Ile518fs (NM_001190458.2, NM_001193536.2); short protein forms I518fs, I586fs.
Identifiers: ClinVar variation 4731959 (VCV004731959.1).